The following is an entry in ClinVar:

NC_000005.10:g.112850623A>C

Variant type: single nucleotide variant.
Genome position: GRCh38 VCF-style: chr5-112850623-A-C. GRCh37 (hg19) VCF-style: chr5-112186320-A-C.
Identifiers: ClinVar variation 83301 (VCV000083301.3), dbSNP rs76962693, ClinGen allele CA250993.

ClinVar aggregate classification (germline): other (0 of 4 stars; one submission).

Conditions:
Familial colorectal cancer. Identifiers: MedGen CN280943, MONDO:0023113. Disease mechanism: loss of function.

Submission:

Systems Biology Platform Zhejiang California International NanoSystems Institute
Classification: other for Familial colorectal cancer. Review status: no assertion criteria provided. Collection method: not provided. Allele origin: unknown.
ClinVar note: Converted during submission from cancer to other.